The following is an entry in ClinVar:

ClinVar aggregate classification (germline): Uncertain significance (1 of 4 stars; one submission).

Conditions:
Cardiovascular phenotype. Identifiers: MedGen CN230736.
Hereditary cancer-predisposing syndrome. Also called: Tumor predisposition; Neoplastic Syndromes, Hereditary; Hereditary Cancer Syndrome; Hereditary neoplastic syndrome. Identifiers: Orphanet 140162, MedGen C0027672, MeSH D009386, MONDO:0015356.

Submission:

Ambry Genetics
Classification: Uncertain significance for Cardiovascular phenotype; Hereditary cancer-predisposing syndrome. Last evaluated: 2025-01-07. Review status: criteria provided, single submitter. Criteria: Ambry Variant Classification Scheme 2023. Collection method: clinical testing. Allele origin: germline.
Comment: The c.5943+4_5943+5delTT intronic variant, located in intron 39 of the NF1 gene, results from a deletion of two nucleotides (TT) at positions 5943+4 and 5943+5 within intron 39 of the NF1 gene. These nucleotide positions are well conserved in available vertebrate species. In silico splice site analysis predicts that this alteration will not have any significant effect on splicing. Based on the available evidence, the clinical significance of this variant remains unclear.

NM_001042492.3(NF1):c.6006+4_6006+5del

Gene: NF1 (neurofibromin 1; plus strand). Cytogenetic location: 17q11.2.
Variant type: Deletion.
Coding change: c.6006+4_6006+5del on transcript NM_001042492.3 (MANE Select); bases 4 to 5 of the intron after coding-DNA position 6006, 2 bases deleted (TT; older notation c.6006+4_6006+5delTT).
Molecular consequence: intron variant.
Genome position (GRCh38, 1-based): chr17:31,335,035-31,335,036, TT deleted. VCF-style (leftmost placement, unchanged base first): chr17-31335034-ATT-A. GRCh37 (hg19) VCF-style: chr17-29662052-ATT-A.
Other names: c.5943+4_5943+5delTT (NM_000267.3); c.5943+4_5943+5del (NM_000267.4).
Identifiers: ClinVar variation 3878995 (VCV003878995.1).
Genomic context (GRCh38, chr17:31,335,034, plus strand): 5'-CAATGAAAAACAGATGTACCCATCTATTCAAGCAAAAATATGGGGAAGCCTTGGGCAGGT[ATT>A]GAGTTTGCTCAAATATTTATCTAGTATCTCCTTTGTGCACATATTTATCTGGTGCCACAT-3'